The following is an entry in ClinVar:

ClinVar aggregate classification (germline): Uncertain significance. Review status: criteria provided, multiple submitters, no conflicts (2 of 4 stars). 2 submissions from 2 submitters: Uncertain significance (2). Last evaluated 2024-11-19.

Conditions:
RYR1-related disorder. Also called: RYR1-related condition; RYR1-related disorders. Identifiers: MedGen CN239331.
Inborn genetic diseases. Identifiers: MedGen C0950123, MeSH D030342.

Allele frequency attached by ClinVar (database versions not stated): gnomAD exomes below 0.00001 and 0.00001; ExAC 0.00001; gnomAD 0.00001.
gnomAD v4.1: 8 of 1,614,094 alleles (0.0005%); highest among the groups gnomAD compares: Admixed American, 0.012%; no homozygotes.

Submissions (2):

Labcorp Genetics (formerly Invitae), Labcorp
Classification: Uncertain significance for RYR1-related disorder. Last evaluated: 2024-11-19. Review status: criteria provided, single submitter. Criteria: Invitae Variant Classification Sherloc (09022015). Collection method: clinical testing. Allele origin: germline.
Comment: This sequence change replaces methionine, which is neutral and non-polar, with valine, which is neutral and non-polar, at codon 4046 of the RYR1 protein (p.Met4046Val). This variant is present in population databases (rs777752603, gnomAD 0.006%). This variant has not been reported in the literature in individuals affected with RYR1-related conditions. ClinVar contains an entry for this variant (Variation ID: 1000276). Invitae Evidence Modeling of protein sequence and biophysical properties (such as structural, functional, and spatial information, amino acid conservation, physicochemical variation, residue mobility, and thermodynamic stability) indicates that this missense variant is not expected to disrupt RYR1 protein function with a negative predictive value of 80%. In summary, the available evidence is currently insufficient to determine the role of this variant in disease. Therefore, it has been classified as a Variant of Uncertain Significance.

Ambry Genetics
Classification: Uncertain significance for Inborn genetic diseases. Last evaluated: 2024-08-19. Review status: criteria provided, single submitter. Criteria: Ambry Variant Classification Scheme 2023. Collection method: clinical testing. Allele origin: germline.

NM_000540.3(RYR1):c.12136A>G (p.Met4046Val)

Gene: RYR1 (ryanodine receptor 1; plus strand). Cytogenetic location: 19q13.2.
Variant type: single nucleotide variant.
Coding change: c.12136A>G on transcript NM_000540.3 (MANE Select); coding-DNA position 12136, A replaced by G.
Protein change: p.Met4046Val; replaces methionine 4046 with valine.
Molecular consequence: missense variant.
Genome position (GRCh38, 1-based): chr19:38,548,274, A>G. VCF-style: chr19-38548274-A-G. GRCh37 (hg19) VCF-style: chr19-39038914-A-G.
Other names: c.12121A>G, p.Met4041Val (NM_001042723.2); c.12136A>G (NM_000540.2); short protein forms M4041V, M4046V.
Identifiers: ClinVar variation 1000276 (VCV001000276.9), dbSNP rs777752603, ClinGen allele CA058352.